The following is an entry in ClinVar:

ClinVar aggregate classification (germline): Uncertain significance (1 of 4 stars; one submission).

Conditions:
Kleefstra syndrome 1 (KLEFS1). Identifiers: Orphanet 261494, MedGen C0795833, MONDO:0027407, OMIM 610253.

Allele frequency attached by ClinVar (database versions not stated): gnomAD 0.00001.
gnomAD v4.1: 1 of 1,611,536 alleles (0.000062%); highest among the groups gnomAD compares: African/African-American, 0.0013%; no homozygotes.

Submission:

Labcorp Genetics (formerly Invitae), Labcorp
Classification: Uncertain significance for Kleefstra syndrome 1. Last evaluated: 2023-11-11. Review status: criteria provided, single submitter. Criteria: Invitae Variant Classification Sherloc (09022015). Collection method: clinical testing. Allele origin: germline.
Comment: This sequence change replaces leucine, which is neutral and non-polar, with arginine, which is basic and polar, at codon 214 of the EHMT1 protein (p.Leu214Arg). This variant is present in population databases (no rsID available, gnomAD 0.01%). This variant has not been reported in the literature in individuals affected with EHMT1-related conditions. An algorithm developed to predict the effect of missense changes on protein structure and function (PolyPhen-2) suggests that this variant is likely to be disruptive. In summary, the available evidence is currently insufficient to determine the role of this variant in disease. Therefore, it has been classified as a Variant of Uncertain Significance.

NM_024757.5(EHMT1):c.641T>G (p.Leu214Arg)

Gene: EHMT1 (euchromatic histone lysine methyltransferase 1; plus strand). Cytogenetic location: 9q34.3.
Variant type: single nucleotide variant.
Coding change: c.641T>G on transcript NM_024757.5 (MANE Select); coding-DNA position 641, T replaced by G.
Protein change: p.Leu214Arg; replaces leucine 214 with arginine.
Molecular consequence: missense variant.
Genome position (GRCh38, 1-based): chr9:137,717,181, T>G. VCF-style: chr9-137717181-T-G. GRCh37 (hg19) VCF-style: chr9-140611633-T-G.
Other names: c.641T>G, p.Leu214Arg (NM_001145527.2, NM_001354263.2, NM_001354611.2); c.548T>G, p.Leu183Arg (NM_001354259.2, NM_001354612.2); short protein forms L183R, L214R.
Identifiers: ClinVar variation 2692745 (VCV002692745.3), dbSNP rs1408474307, ClinGen allele CA375766589.
Genomic context (GRCh38, chr9:137,717,181, plus strand): 5'-CTGGCGCCGACGTCAAGGTCCACAGGGCACGCAAGACCATGCCGAAGTCCGTCGTGGGCC[T>G]GGTAATTTTGTGTCTTCTCTTGCTGTTTCCTTTTTCCCATCTCTTTTGTTTTAATAACGG-3'
Protein context (NP_079033.4, residues 204-224): RKTMPKSVVG[Leu214Arg]HAASKDPREV